The following is an entry in ClinVar:

ClinVar aggregate classification (germline): Benign/Likely benign. Review status: criteria provided, multiple submitters, no conflicts (2 of 4 stars). 12 submissions from 11 submitters: Benign (8); Likely benign (1). 3 of the submissions do not count toward it. Last evaluated 2026-01-27.

Conditions:
Microcephaly 6, primary, autosomal recessive. Identifiers: Orphanet 2512, MedGen C1842109, MONDO:0012029, OMIM 608393.
Seckel syndrome 4 (SCKL4). Identifiers: Orphanet 808, MedGen C3888212, MONDO:0013358, OMIM 613676.

Allele frequency attached by ClinVar (database versions not stated): gnomAD exomes 0.00550 and 0.00212; 1000 Genomes Project 30x 0.02514; TOPMed 0.02337; gnomAD 0.02151 and 0.02010; ESP Exome Variant Server 0.02276; ExAC 0.00672; 1000 Genomes Project 0.02476.
gnomAD v4.1: 6,313 of 1,614,124 alleles (0.39%); highest among the groups gnomAD compares: African/African-American, 7.3%; 226 homozygotes.

Submissions (17):

Labcorp Genetics (formerly Invitae), Labcorp
Classification: Benign. Last evaluated: 2026-01-27. Review status: criteria provided, single submitter. Criteria: Invitae Variant Classification Sherloc (09022015). Collection method: clinical testing. Allele origin: germline.

Fulgent Genetics
Classification: Likely benign for Microcephaly 6, primary, autosomal recessive; Seckel syndrome 4. Last evaluated: 2021-09-16. Review status: criteria provided, single submitter. Criteria: ACMG Guidelines, 2015. Collection method: clinical testing. Allele origin: unknown.

Illumina Laboratory Services, Illumina
Classification: Benign for Seckel syndrome 4. Last evaluated: 2018-01-13. Review status: criteria provided, single submitter. Criteria: ICSL Variant Classification Criteria 13 December 2019. Collection method: clinical testing. Allele origin: germline.
Comment: This variant was observed in the ICSL laboratory as part of a predisposition screen in an ostensibly healthy population. It had not been previously curated by ICSL or reported in the Human Gene Mutation Database (HGMD: prior to June 1st, 2018), and was therefore a candidate for classification through an automated scoring system. Utilizing variant allele frequency, disease prevalence and penetrance estimates, and inheritance mode, an automated score was calculated to assess if this variant is too frequent to cause the disease. Based on the score and internal cut-off values, a variant classified as benign is not then subjected to further curation. The score for this variant resulted in a classification of benign for this disease.

Illumina Laboratory Services, Illumina
Classification: Benign for Microcephaly 6, primary, autosomal recessive. Last evaluated: 2018-01-13. Review status: criteria provided, single submitter. Criteria: ICSL Variant Classification Criteria 13 December 2019. Collection method: clinical testing. Allele origin: germline.
Comment: the same text as in the submission from Illumina Laboratory Services, Illumina above.

Athena Diagnostics
Classification: Benign. Last evaluated: 2017-09-07. Review status: criteria provided, single submitter. Criteria: Athena Diagnostics Criteria. Collection method: clinical testing. Allele origin: germline.

GeneDx
Classification: Benign. Last evaluated: 2015-03-03. Review status: criteria provided, single submitter. Criteria: GeneDx Variant Classification Process June 2021. Collection method: clinical testing. Allele origin: germline. Affected: yes.

Genetic Services Laboratory, University of Chicago
Classification: Benign. Last evaluated: 2013-02-08. Review status: criteria provided, single submitter. Criteria: ACMG Guidelines, 2007. Collection method: clinical testing. Allele origin: germline. Inheritance: Autosomal recessive inheritance.

Breakthrough Genomics
Classification: Benign. Review status: criteria provided, single submitter. Criteria: ACMG Guidelines, 2015. Collection method: not provided. Allele origin: germline. Inheritance: Autosomal recessive inheritance. Affected: yes.

PreventionGenetics, part of Exact Sciences
Classification: Benign. Review status: criteria provided, single submitter. Criteria: ACMG Guidelines, 2015. Collection method: clinical testing. Allele origin: germline.

Clinical Genetics DNA and cytogenetics Diagnostics Lab, Erasmus MC, Erasmus Medical Center
Classification: Benign. Review status: no assertion criteria provided. Collection method: clinical testing. Allele origin: germline. Affected: yes. Study: VKGL Data-share Consensus. Not counted in ClinVar's aggregate classification.

Dr. Peter K. Rogan Lab, Western University
No classification provided (evidence only). Condition: Lung cancer. Review status: no classification provided. Collection method: in vitro. Allele origin: not applicable. Functional consequence: retained intron. Not counted in ClinVar's aggregate classification.

Dr. Peter K. Rogan Lab, Western University
No classification provided (evidence only). Condition: Uterine corpus endometrial carcinoma. Review status: no classification provided. Collection method: in vitro. Allele origin: not applicable. Functional consequence: retained intron. Not counted in ClinVar's aggregate classification.

Dr. Peter K. Rogan Lab, Western University
No classification provided (evidence only). Condition: Uterine corpus endometrial carcinoma. Review status: no classification provided. Collection method: in vitro. Allele origin: not applicable. Functional consequence: retained intron. Not counted in ClinVar's aggregate classification.

Dr. Peter K. Rogan Lab, Western University
No classification provided (evidence only). Condition: Cervical cancer. Review status: no classification provided. Collection method: in vitro. Allele origin: not applicable. Functional consequence: retained intron. Not counted in ClinVar's aggregate classification.

Dr. Peter K. Rogan Lab, Western University
No classification provided (evidence only). Condition: Cervical cancer. Review status: no classification provided. Collection method: in vitro. Allele origin: not applicable. Functional consequence: retained intron. Not counted in ClinVar's aggregate classification.

GeneReviews
No classification provided. Condition: Microcephaly 6, primary, autosomal recessive. Review status: no classification provided. Collection method: literature only. Allele origin: unknown. Not counted in ClinVar's aggregate classification.

Laboratory of Diagnostic Genome Analysis, Leiden University Medical Center (LUMC)
Classification: Likely benign. Review status: no assertion criteria provided. Collection method: clinical testing. Allele origin: germline. Affected: yes. Study: VKGL Data-share Consensus. Not counted in ClinVar's aggregate classification.

Literature cited by the submitters: PubMed 20301772 (cited by GeneReviews); NCBI Bookshelf NBK9587 (cited by GeneReviews).

NM_018451.5(CPAP):c.187G>C (p.Asp63His)

Gene: CPAP (centrosome assembly and centriole elongation protein; minus strand). Cytogenetic location: 13q12.13.
Variant type: single nucleotide variant.
Coding change: c.187G>C on transcript NM_018451.5 (MANE Select); coding-DNA position 187, G replaced by C.
Protein change: p.Asp63His; replaces aspartic acid 63 with histidine.
Molecular consequence: missense variant. On other transcripts: non-coding transcript variant (2).
Genome position (GRCh38, 1-based): chr13:24,912,839, C>G on the plus strand (G>C on the coding strand, the complement: CPAP is on the minus strand). VCF-style: chr13-24912839-C-G. GRCh37 (hg19) VCF-style: chr13-25486977-C-G.
Other names: short protein forms D63H.
Identifiers: ClinVar variation 21660 (VCV000021660.27), dbSNP rs7336216, ClinGen allele CA171676.
Genomic context (GRCh38, chr13:24,912,839, plus strand): 5'-TTGACTCCAACTTCTGTTCTTCAAGAAGTGAATCTTCTTCATTTATAAAGCTGAAGCTAT[C>G]AGAAAAATGTGTGCCTTTAATAGGAAAGCTGGTAGAAATGTCCACAGCTGCTCGCTTCTC-3'
Protein context (NP_060921.3, residues 53-73): SFPIKGTHFS[Asp63His]SFSFINEEDS